The following is an entry in ClinVar:

NM_001008537.3(NEXMIF):c.856T>C (p.Phe286Leu)

Gene: NEXMIF (neurite extension and migration factor; minus strand). Cytogenetic location: Xq13.3.
Variant type: single nucleotide variant.
Coding change: c.856T>C on transcript NM_001008537.3 (MANE Select); coding-DNA position 856, T replaced by C.
Protein change: p.Phe286Leu; replaces phenylalanine 286 with leucine.
Molecular consequence: missense variant.
Genome position (GRCh38, 1-based): chrX:74,743,701, A>G on the plus strand (T>C on the coding strand, the complement: NEXMIF is on the minus strand). VCF-style: chrX-74743701-A-G. GRCh37 (hg19) VCF-style: chrX-73963536-A-G.
Other names: short protein forms F286L.
Identifiers: ClinVar variation 3573681 (VCV003573681.1).

ClinVar aggregate classification (germline): Uncertain significance (1 of 4 stars; one submission).

Submission:

GeneDx
Classification: Uncertain significance. Last evaluated: 2024-07-15. Review status: criteria provided, single submitter. Criteria: GeneDx Variant Classification Process June 2021. Collection method: clinical testing. Allele origin: germline. Affected: yes.
Comment: Not observed at significant frequency in large population cohorts (gnomAD); In silico analysis indicates that this missense variant does not alter protein structure/function; Has not been previously published as pathogenic or benign to our knowledge